The following is an entry in ClinVar:

NC_000009.11:g.(?_271607)_(464239_?)dup

Gene: DOCK8 (dedicator of cytokinesis 8; plus strand). Cytogenetic location: 9p24.3.
Variant type: Duplication.
Identifiers: ClinVar variation 1038175 (VCV001038175.1).

ClinVar aggregate classification (germline): Uncertain significance (1 of 4 stars; one submission).

Conditions:
Combined immunodeficiency due to DOCK8 deficiency (HIES2). Also called: Hyper-IgE recurrent infection syndrome, autosomal recessive; HIES autosomal recessive; DOCK8 Deficiency; HYPER-IgE RECURRENT INFECTION SYNDROME 2, AUTOSOMAL RECESSIVE; HYPER-IgE SYNDROME 2, AUTOSOMAL RECESSIVE, WITH RECURRENT INFECTIONS. Identifiers: Orphanet 217390, MedGen C4722305, MONDO:0009478, OMIM 243700.

Submission:

Labcorp Genetics (formerly Invitae), Labcorp
Classification: Uncertain significance for Combined immunodeficiency due to DOCK8 deficiency. Last evaluated: 2020-02-23. Review status: criteria provided, single submitter. Criteria: Invitae Variant Classification Sherloc (09022015). Collection method: clinical testing. Allele origin: germline.
Comment: This variant results in a copy number gain of the genomic region encompassing exons 2-48 of the DOCK8 gene. While the exact position of this variant cannot be determined from this data, sub-genic copy number gains are generally in tandem (PMID: 25640679). This variant would be expected to be in-frame, preserving the integrity of the reading frame. This variant has not been reported in the literature in individuals with DOCK8-related conditions. Experimental studies and prediction algorithms are not available or were not evaluated, and the functional significance of this variant is currently unknown. In summary, the available evidence is currently insufficient to determine the role of this variant in disease. Therefore, it has been classified as a Variant of Uncertain Significance.

Literature cited by the submitters: PubMed 25640679.